The following is an entry in ClinVar:

ClinVar aggregate classification (germline): Uncertain significance (1 of 4 stars; one submission).

Allele frequency attached by ClinVar (database versions not stated): gnomAD exomes 0.00070 and 0.00118; ExAC 0.00072; TOPMed 0.00093; gnomAD 0.00096 and 0.00101; ESP Exome Variant Server 0.00097.

Submission:

GeneDx
Classification: Uncertain significance. Last evaluated: 2026-01-31. Review status: criteria provided, single submitter. Criteria: GeneDx Variant Classification Process June 2021. Collection method: clinical testing. Allele origin: germline. Affected: yes.
Comment: In silico analysis supports that this missense variant has a deleterious effect on protein structure/function; Has not been previously published as pathogenic or benign to our knowledge

NM_001282597.3(CTNNA2):c.1750C>T (p.Arg584Cys)

Gene: CTNNA2 (catenin alpha 2; plus strand). Cytogenetic location: 2p12.
Variant type: single nucleotide variant.
Coding change: c.1750C>T on transcript NM_001282597.3 (MANE Select); coding-DNA position 1750, C replaced by T.
Protein change: p.Arg584Cys; replaces arginine 584 with cysteine.
Molecular consequence: missense variant.
Genome position (GRCh38, 1-based): chr2:80,574,171, C>T. VCF-style: chr2-80574171-C-T. GRCh37 (hg19) VCF-style: chr2-80801296-C-T.
Other names: c.1750C>T, p.Arg584Cys (NM_001164883.2, NM_004389.4); c.1852C>T, p.Arg618Cys (NM_001282598.2); c.787C>T, p.Arg263Cys (NM_001282599.2); c.646C>T, p.Arg216Cys (NM_001282600.2, NM_001320810.2); short protein forms R216C, R263C, R584C, R618C.
Identifiers: ClinVar variation 1313710 (VCV001313710.4), dbSNP rs200341629, ClinGen allele CA1735741.